The following is an entry in ClinVar:

ClinVar aggregate classification (germline): Conflicting classifications of pathogenicity. Review status: criteria provided, conflicting classifications (1 of 4 stars). 7 submissions from 7 submitters: Uncertain significance (3); Likely benign (2). 2 of the submissions do not count toward it. Last evaluated 2025-06-06.

Conditions:
NLRP3-related disorder. Also called: NLRP3-related condition; NLRP3-Related Disorders.
Autoinflammatory syndrome. Identifiers: Orphanet 93665, MedGen C3890737, MONDO:0019751.
Cryopyrin associated periodic syndrome (CAPS). Identifiers: Orphanet 208650, MedGen C2316212, MONDO:0016168.
Familial cold autoinflammatory syndrome 1 (FCAS1). Also called: Familial cold inflammatory syndrome 1; CRYOPYRIN-ASSOCIATED PERIODIC SYNDROME 1. Identifiers: Orphanet 47045, MedGen C4551895, MONDO:0007349, OMIM 120100.

Allele frequency attached by ClinVar (database versions not stated): TOPMed 0.00003; ESP Exome Variant Server 0.00008; gnomAD exomes 0.00017 and 0.00041; gnomAD 0.00019; ExAC 0.00050.
gnomAD v4.1: 292 of 1,613,828 alleles (0.018%); highest among the groups gnomAD compares: Non-Finnish European, 0.009%; 1 homozygote.

Submissions (7):

Labcorp Genetics (formerly Invitae), Labcorp
Classification: Likely benign for Cryopyrin associated periodic syndrome. Last evaluated: 2025-06-06. Review status: criteria provided, single submitter. Criteria: Invitae Variant Classification Sherloc (09022015). Collection method: clinical testing. Allele origin: germline.

Blueprint Genetics
Classification: Likely benign. Last evaluated: 2024-11-22. Review status: criteria provided, single submitter. Criteria: ACMG Guidelines, 2015. Collection method: clinical testing. Allele origin: germline.

Genome Diagnostics Laboratory, The Hospital for Sick Children
Classification: Uncertain significance for Autoinflammatory syndrome. Last evaluated: 2020-07-01. Review status: criteria provided, single submitter. Criteria: ACMG Guidelines, 2015. Collection method: clinical testing. Allele origin: germline. Affected: yes.

Baylor Genetics
Classification: Uncertain significance for Familial cold autoinflammatory syndrome 1. Last evaluated: 2019-03-14. Review status: criteria provided, single submitter. Criteria: ACMG Guidelines, 2015. Collection method: clinical testing. Allele origin: paternal. Affected: yes.
Comment: This variant was determined to be of uncertain significance according to ACMG Guidelines, 2015 [PMID:25741868].

GeneDx
Classification: Uncertain significance. Last evaluated: 2018-06-07. Review status: criteria provided, single submitter. Criteria: GeneDx Variant Classification (06012015). Collection method: clinical testing. Allele origin: germline. Affected: yes.
Comment: The A227V variant has been reported, using alternative nomenclature, in an individual with rheumatoid arthritis, high leukocyte count and recurrent fever (Verma et al., 2008). The variant is observed in 53/25786 (0.2055%) alleles from individuals of Finnish background in large population cohorts (Lek et al., 2016). The variant is a conservative amino acid substitution, which is not likely to impact secondary protein structure as these residues share similar properties. In-silico analyses, including protein predictors and evolutionary conservation, support that this variant does not alter protein structure/function. However, the variant is located in the NACHT domain, which is the major locus of CAPS-associated pathogenic variants (Masters et al., 2009). In summary, based on the currently available information, it is unclear whether this variant is a pathogenic variant or a rare benign variant.

PreventionGenetics, part of Exact Sciences
Classification: Likely benign for NLRP3-related condition. Last evaluated: 2024-06-21. Review status: no assertion criteria provided. Collection method: clinical testing. Allele origin: germline. Not counted in ClinVar's aggregate classification.
Comment: This variant is classified as likely benign based on ACMG/AMP sequence variant interpretation guidelines (Richards et al. 2015 PMID: 25741868, with internal and published modifications).

Unité médicale des maladies autoinflammatoires, CHRU Montpellier
No classification provided. Condition: Familial cold urticaria. Review status: no classification provided. Collection method: not provided. Allele origin: unknown. Not counted in ClinVar's aggregate classification.
Comment: also involved in OMIM 191900 and 607115

NM_001243133.2(NLRP3):c.674C>T (p.Ala225Val)

Gene: NLRP3 (NLR family pyrin domain containing 3; plus strand). Cytogenetic location: 1q44.
Variant type: single nucleotide variant.
Coding change: c.674C>T on transcript NM_001243133.2 (MANE Select); coding-DNA position 674, C replaced by T.
Protein change: p.Ala225Val; replaces alanine 225 with valine.
Molecular consequence: missense variant.
Genome position (GRCh38, 1-based): chr1:247,424,123, C>T. VCF-style: chr1-247424123-C-T. GRCh37 (hg19) VCF-style: chr1-247587425-C-T.
Other names: c.674C>T, p.Ala225Val (NM_001079821.3, NM_001127461.3, NM_001127462.3 and 1 more transcripts); c.680C>T, p.Ala227Val (NM_004895.5); short protein forms A227V, A225V.
Identifiers: ClinVar variation 97966 (VCV000097966.19), dbSNP rs180177493, ClinGen allele CA281339.